The following is an entry in ClinVar:

NM_001127208.3(TET2):c.1292T>C (p.Leu431Ser)

Genes: TET2 (tet methylcytosine dioxygenase 2; plus strand), TET2-AS1 (TET2 antisense RNA 1; minus strand). Cytogenetic location: 4q24.
Variant type: single nucleotide variant.
Coding change: c.1292T>C on transcript NM_001127208.3 (MANE Select); coding-DNA position 1292, T replaced by C.
Protein change: p.Leu431Ser; replaces leucine 431 with serine.
Molecular consequence: missense variant.
Genome position (GRCh38, 1-based): chr4:105,235,234, T>C. VCF-style: chr4-105235234-T-C. GRCh37 (hg19) VCF-style: chr4-106156391-T-C.
Other names: c.1292T>C, p.Leu431Ser (NM_017628.4); short protein forms L431S.
Identifiers: ClinVar variation 3805931 (VCV003805931.1).

ClinVar aggregate classification (germline): Uncertain significance (1 of 4 stars; one submission).

Submission:

Ambry Genetics
Classification: Uncertain significance. Last evaluated: 2025-01-05. Review status: criteria provided, single submitter. Criteria: Ambry Variant Classification Scheme 2023. Collection method: clinical testing. Allele origin: germline.
Comment: The p.L431S variant (also known as c.1292T>C), located in coding exon 1 of the TET2 gene, results from a T to C substitution at nucleotide position 1292. The leucine at codon 431 is replaced by serine, an amino acid with dissimilar properties. This amino acid position is conserved. In addition, this alteration is predicted to be tolerated by in silico analysis. Based on the available evidence, the clinical significance of this variant remains unclear.